The following is an entry in ClinVar:

NM_014874.4(MFN2):c.624G>T (p.Glu208Asp)

Gene: MFN2 (mitofusin 2; plus strand). Cytogenetic location: 1p36.22.
Variant type: single nucleotide variant.
Coding change: c.624G>T on transcript NM_014874.4 (MANE Select); coding-DNA position 624, G replaced by T.
Protein change: p.Glu208Asp; replaces glutamic acid 208 with aspartic acid.
Molecular consequence: missense variant.
Genome position (GRCh38, 1-based): chr1:11,998,794, G>T. VCF-style: chr1-11998794-G-T. GRCh37 (hg19) VCF-style: chr1-12058851-G-T.
Other names: c.624G>T, p.Glu208Asp (NM_001127660.2); short protein forms E208D.
Identifiers: ClinVar variation 568869 (VCV000568869.54), dbSNP rs1162977959, ClinGen allele CA338437817.

ClinVar aggregate classification (germline): Uncertain significance. Review status: criteria provided, multiple submitters, no conflicts (2 of 4 stars). 5 submissions from 5 submitters: Uncertain significance (5). Last evaluated 2024-06-01.

Conditions:
Charcot-Marie-Tooth disease type 2. Also called: Charcot-Marie-Tooth type 2. Identifiers: Orphanet 64746, MedGen C0270914, MONDO:0018993.
Charcot-Marie-Tooth disease type 2A2. Also called: CHARCOT-MARIE-TOOTH DISEASE, AXONAL, TYPE 2A2; CHARCOT-MARIE-TOOTH DISEASE, NEURONAL, TYPE 2A2; HEREDITARY MOTOR AND SENSORY NEUROPATHY IIA2; HMSN IIA2; CHARCOT-MARIE-TOOTH DISEASE, AXONAL, AUTOSOMAL DOMINANT, TYPE 2A2A; Charcot-Marie-Tooth Neuropathy Type 2A2. Identifiers: Orphanet 99947, MedGen C4721887, MONDO:0012231, OMIM 609260.

Allele frequency attached by ClinVar (database versions not stated): TOPMed below 0.00001.

Submissions (5):

Labcorp Genetics (formerly Invitae), Labcorp
Classification: Uncertain significance for Charcot-Marie-Tooth disease type 2. Last evaluated: 2024-06-01. Review status: criteria provided, single submitter. Criteria: Invitae Variant Classification Sherloc (09022015). Collection method: clinical testing. Allele origin: germline.
Comment: This sequence change replaces glutamic acid, which is acidic and polar, with aspartic acid, which is acidic and polar, at codon 208 of the MFN2 protein (p.Glu208Asp). This variant is not present in population databases (gnomAD no frequency). This variant has not been reported in the literature in individuals affected with MFN2-related conditions. ClinVar contains an entry for this variant (Variation ID: 568869). Advanced modeling of protein sequence and biophysical properties (such as structural, functional, and spatial information, amino acid conservation, physicochemical variation, residue mobility, and thermodynamic stability) has been performed at Invitae for this missense variant, however the output from this modeling did not meet the statistical confidence thresholds required to predict the impact of this variant on MFN2 protein function. Algorithms developed to predict the effect of sequence changes on RNA splicing suggest that this variant may create or strengthen a splice site. In summary, the available evidence is currently insufficient to determine the role of this variant in disease. Therefore, it has been classified as a Variant of Uncertain Significance.

Women's Health and Genetics/Laboratory Corporation of America, LabCorp
Classification: Uncertain significance. Last evaluated: 2023-05-30. Review status: criteria provided, single submitter. Criteria: LabCorp Variant Classification Summary - May 2015. Collection method: clinical testing. Allele origin: germline.
Comment: Variant summary: MFN2 c.624G>T (p.Glu208Asp) results in a conservative amino acid change located in the Dynamin-type guanine nucleotide-binding (G) domain (IPR030381) of the encoded protein sequence. Four of five in-silico tools predict a benign effect of the variant on protein function. The variant was absent in 251496 control chromosomes (gnomAD). The available data on variant occurrences in the general population are insufficient to allow any conclusion about variant significance. To our knowledge, no occurrence of c.624G>T in individuals affected with MFN2-Related Disorders and no experimental evidence demonstrating its impact on protein function have been reported. Four ClinVar submitters have assessed the variant since 2014: all four classified the variant as uncertain significance. Based on the evidence outlined above, the variant was classified as uncertain significance.

MGZ Medical Genetics Center
Classification: Uncertain significance for Charcot-Marie-Tooth disease type 2A2. Last evaluated: 2021-10-21. Review status: criteria provided, single submitter. Criteria: ACMG Guidelines, 2015. Collection method: clinical testing. Allele origin: germline. Affected: yes. Observed: 1 variant allele.
Comment: ACMG criteria applied: PM1, PM2_SUP, PP2, PP3

GeneDx
Classification: Uncertain significance. Last evaluated: 2019-06-21. Review status: criteria provided, single submitter. Criteria: GeneDx Variant Classification Process June 2021. Collection method: clinical testing. Allele origin: germline. Affected: yes.
Comment: Has not been previously published as pathogenic or benign to our knowledge; Not observed in large population cohorts (Lek et al., 2016); In silico analysis, which includes protein predictors and evolutionary conservation, supports that this variant does not alter protein structure/function

CeGaT Center for Human Genetics Tuebingen
Classification: Uncertain significance. Last evaluated: 2019-02-01. Review status: criteria provided, single submitter. Criteria: CeGaT Center For Human Genetics Tuebingen Variant Classification Criteria Version 2. Collection method: clinical testing. Allele origin: germline. Affected: yes. Observed: 3 variant alleles.